The following is an entry in ClinVar:

ClinVar aggregate classification (germline): Uncertain significance (1 of 4 stars; one submission).

Submission:

Labcorp Genetics (formerly Invitae), Labcorp
Classification: Uncertain significance. Last evaluated: 2025-10-01. Review status: criteria provided, single submitter. Criteria: Invitae Variant Classification Sherloc (09022015). Collection method: clinical testing. Allele origin: germline.
Comment: This sequence change creates a premature translational stop signal (p.Leu230Ilefs*3) in the EXOC8 gene. While this is not anticipated to result in nonsense mediated decay, it is expected to disrupt the last 496 amino acid(s) of the EXOC8 protein. This variant is not present in population databases (gnomAD no frequency). This variant has not been reported in the literature in individuals affected with EXOC8-related conditions. In summary, the available evidence is currently insufficient to determine the role of this variant in disease. Therefore, it has been classified as a Variant of Uncertain Significance.

NM_175876.5(EXOC8):c.688_691del (p.Leu230fs)

Gene: EXOC8 (exocyst complex component 8; minus strand). Cytogenetic location: 1q42.2.
Variant type: Microsatellite.
Coding change: c.688_691del on transcript NM_175876.5 (MANE Select); coding-DNA positions 688 to 691, 4 bases deleted (CTCT; older notation c.688_691delCTCT).
Protein change: p.Leu230fs; shifts the reading frame from leucine 230.
Molecular consequence: frameshift variant.
Genome position (GRCh38, 1-based): chr1:231,337,055-231,337,058, AGAG deleted on the plus strand (CTCT on the coding strand, the reverse complement: EXOC8 is on the minus strand); deleting any 4 consecutive bases within chr1:231,337,055-231,337,060 gives the same sequence; the c. name uses the placement nearest the transcript's 3' end. VCF-style (leftmost placement, unchanged base first): chr1-231337054-TAGAG-T. GRCh37 (hg19) VCF-style: chr1-231472800-TAGAG-T.
Other names: short protein forms L230fs.
Identifiers: ClinVar variation 4760429 (VCV004760429.1).